The following is an entry in ClinVar:

ClinVar aggregate classification (germline): Uncertain significance. Review status: criteria provided, multiple submitters, no conflicts (2 of 4 stars). 2 submissions from 2 submitters: Uncertain significance (2). Last evaluated 2026-04-07.

gnomAD v4.1: 4 of 1,577,736 alleles (0.00025%); highest among the groups gnomAD compares: Non-Finnish European, 0.00034%; no homozygotes.

Submissions (2):

GeneDx
Classification: Uncertain significance. Last evaluated: 2026-04-07. Review status: criteria provided, single submitter. Criteria: GeneDx Variant Classification Process June 2021. Collection method: clinical testing. Allele origin: germline.
Comment: In silico analysis suggests that this missense variant does not alter protein structure/function; Has not been previously published as pathogenic or benign to our knowledge

Labcorp Genetics (formerly Invitae), Labcorp
Classification: Uncertain significance. Last evaluated: 2024-05-26. Review status: criteria provided, single submitter. Criteria: Invitae Variant Classification Sherloc (09022015). Collection method: clinical testing. Allele origin: germline.
Comment: This sequence change replaces glycine, which is neutral and non-polar, with glutamic acid, which is acidic and polar, at codon 375 of the BACH2 protein (p.Gly375Glu). This variant is present in population databases (no rsID available, gnomAD 0.001%). This variant has not been reported in the literature in individuals affected with BACH2-related conditions. Advanced modeling of protein sequence and biophysical properties (such as structural, functional, and spatial information, amino acid conservation, physicochemical variation, residue mobility, and thermodynamic stability) performed at Invitae indicates that this missense variant is not expected to disrupt BACH2 protein function with a negative predictive value of 80%. In summary, the available evidence is currently insufficient to determine the role of this variant in disease. Therefore, it has been classified as a Variant of Uncertain Significance.

NM_021813.4(BACH2):c.1124G>A (p.Gly375Glu)

Gene: BACH2 (BACH transcriptional regulator 2; minus strand). Cytogenetic location: 6q15.
Variant type: single nucleotide variant.
Coding change: c.1124G>A on transcript NM_021813.4 (MANE Select); coding-DNA position 1124, G replaced by A.
Protein change: p.Gly375Glu; replaces glycine 375 with glutamic acid.
Molecular consequence: missense variant.
Genome position (GRCh38, 1-based): chr6:89,950,982, C>T on the plus strand (G>A on the coding strand, the complement: BACH2 is on the minus strand). VCF-style: chr6-89950982-C-T. GRCh37 (hg19) VCF-style: chr6-90660701-C-T.
Other names: c.1124G>A, p.Gly375Glu (NM_001170794.2); c.1124G>A (NM_021813.3); short protein forms G375E.
Identifiers: ClinVar variation 3695683 (VCV003695683.3).
Genomic context (GRCh38, chr6:89,950,982, plus strand): 5'-GGCTGTCCATAATTCCCTGTGAAAGGGGTGTAGTCAGTTTTAAGGTCACCCTGAGTGATC[C>T]CCTTGTCAAAAGGGCAGGCTGGACTCCTGGCAAAGTGCTGCTGAGATGTACTGGGCAGGC-3'
Protein context (NP_068585.1, residues 365-385): ARSPACPFDK[Gly375Glu]ITQGDLKTDY